The following is an entry in ClinVar:

NM_000252.3(MTM1):c.1469A>G (p.Lys490Arg)

Gene: MTM1 (myotubularin 1; plus strand). Cytogenetic location: Xq28.
Variant type: single nucleotide variant.
Coding change: c.1469A>G on transcript NM_000252.3 (MANE Select); coding-DNA position 1469, A replaced by G.
Protein change: p.Lys490Arg; replaces lysine 490 with arginine.
Molecular consequence: missense variant.
Genome position (GRCh38, 1-based): chrX:150,663,434, A>G. VCF-style: chrX-150663434-A-G. GRCh37 (hg19) VCF-style: chrX-149831907-A-G.
Other names: c.1469A>G, p.Lys490Arg (NM_001376906.1, NM_001376908.1); c.1358A>G, p.Lys453Arg (NM_001376907.1); short protein forms K453R, K490R.
Identifiers: ClinVar variation 1174940 (VCV001174940.19), dbSNP rs781948606, ClinGen allele CA10539288.

ClinVar aggregate classification (germline): Conflicting classifications of pathogenicity. Review status: criteria provided, conflicting classifications (1 of 4 stars). 6 submissions from 6 submitters: Uncertain significance (3); Likely benign (1). 2 of the submissions do not count toward it. Last evaluated 2025-06-01.

Conditions:
Inborn genetic diseases. Identifiers: MedGen C0950123, MeSH D030342.
Severe X-linked myotubular myopathy (CNMX). Also called: MYOTUBULAR MYOPATHY 1; X-linked centronuclear myopathy; Myotubular myopathy, X-linked. Identifiers: Orphanet 596, MedGen C0410203, MONDO:0010683, OMIM 310400.

Allele frequency attached by ClinVar (database versions not stated): TOPMed below 0.00001; gnomAD exomes 0.00001.
gnomAD v4.1: 7 of 1,210,675 alleles (0.00058%); highest among the groups gnomAD compares: Non-Finnish European, 0.00078%; no homozygotes.

Submissions (7):

CeGaT Center for Human Genetics Tuebingen
Classification: Likely benign. Last evaluated: 2025-06-01. Review status: criteria provided, single submitter. Criteria: CeGaT Center For Human Genetics Tuebingen Variant Classification Criteria Version 2. Collection method: clinical testing. Allele origin: germline. Affected: yes. Observed: 1 variant allele.
Comment: MTM1: BS2

Ambry Genetics
Classification: Uncertain significance for Inborn genetic diseases. Last evaluated: 2023-06-26. Review status: criteria provided, single submitter. Criteria: Ambry Variant Classification Scheme 2023. Collection method: clinical testing. Allele origin: germline.

Labcorp Genetics (formerly Invitae), Labcorp
Classification: Uncertain significance for Severe X-linked myotubular myopathy. Last evaluated: 2022-08-30. Review status: criteria provided, single submitter. Criteria: Invitae Variant Classification Sherloc (09022015). Collection method: clinical testing. Allele origin: germline.
Comment: This sequence change replaces lysine, which is basic and polar, with arginine, which is basic and polar, at codon 490 of the MTM1 protein (p.Lys490Arg). This variant is not present in population databases (gnomAD no frequency). This variant has not been reported in the literature in individuals affected with MTM1-related conditions. ClinVar contains an entry for this variant (Variation ID: 1174940). Algorithms developed to predict the effect of missense changes on protein structure and function (SIFT, PolyPhen-2, Align-GVGD) all suggest that this variant is likely to be tolerated. Algorithms developed to predict the effect of sequence changes on RNA splicing suggest that this variant may disrupt the consensus splice site. In summary, the available evidence is currently insufficient to determine the role of this variant in disease. Therefore, it has been classified as a Variant of Uncertain Significance.

GeneDx
Classification: Uncertain significance. Last evaluated: 2021-04-09. Review status: criteria provided, single submitter. Criteria: GeneDx Variant Classification Process June 2021. Collection method: clinical testing. Allele origin: germline. Affected: yes.
Comment: In silico analysis, which includes protein predictors and evolutionary conservation, supports that this variant does not alter protein structure/function; Has not been previously published as pathogenic or benign to our knowledge

Clinical Genetics DNA and cytogenetics Diagnostics Lab, Erasmus MC, Erasmus Medical Center
Classification: Uncertain significance. Review status: no assertion criteria provided. Collection method: clinical testing. Allele origin: germline. Affected: yes. Study: VKGL Data-share Consensus. Not counted in ClinVar's aggregate classification.

Diagnostic Laboratory, Department of Genetics, University Medical Center Groningen
Classification: Uncertain significance. Review status: no assertion criteria provided. Collection method: clinical testing. Allele origin: germline. Affected: yes. Study: VKGL Data-share Consensus. Not counted in ClinVar's aggregate classification.

Dr. Peter K. Rogan Lab, Western University
No classification provided (evidence only). Condition: Thyroid cancer, nonmedullary, 1. Review status: no classification provided. Collection method: in vitro. Allele origin: not applicable. Functional consequence: retained intron. Not counted in ClinVar's aggregate classification.